The following is an entry in ClinVar:

NM_032043.3(BRIP1):c.919-12A>G

Gene: BRIP1 (BRCA1 interacting DNA helicase 1; minus strand). Cytogenetic location: 17q23.2.
Variant type: single nucleotide variant.
Coding change: c.919-12A>G on transcript NM_032043.3 (MANE Select); 12 bases into the intron before coding-DNA position 919, A replaced by G.
Molecular consequence: intron variant.
Genome position (GRCh38, 1-based): chr17:61,801,486, T>C on the plus strand (A>G on the coding strand, the complement: BRIP1 is on the minus strand). VCF-style: chr17-61801486-T-C. GRCh37 (hg19) VCF-style: chr17-59878847-T-C.
Identifiers: ClinVar variation 1950104 (VCV001950104.6), dbSNP rs2145343372, ClinGen allele CA2580094644.

ClinVar aggregate classification (germline): Likely benign. Review status: criteria provided, multiple submitters, no conflicts (2 of 4 stars). 2 submissions from 2 submitters: Likely benign (2). Last evaluated 2024-08-22.

Conditions:
Familial cancer of breast. Also called: BREAST CANCER, FAMILIAL; Hereditary breast cancer; hereditary breast carcinoma. Identifiers: Orphanet 227535, MedGen C0346153, MONDO:0016419, OMIM 114480. Disease mechanism: loss of function.
Fanconi anemia complementation group J. Also called: BRIP1-Related Fanconi Anemia. Identifiers: Orphanet 84, MedGen C1836860, MONDO:0012187, OMIM 609054.

Submissions (2):

Myriad Genetics, Inc.
Classification: Likely benign for Familial cancer of breast. Last evaluated: 2024-08-22. Review status: criteria provided, single submitter. Criteria: Myriad Autosomal Dominant, Autosomal Recessive and X-Linked Classification Criteria (2023). Collection method: clinical testing. Allele origin: unknown.
Comment: This variant is considered likely benign. This variant is intronic and is not expected to impact mRNA splicing.

Labcorp Genetics (formerly Invitae), Labcorp
Classification: Likely benign for Familial cancer of breast; Fanconi anemia complementation group J. Last evaluated: 2023-10-04. Review status: criteria provided, single submitter. Criteria: Invitae Variant Classification Sherloc (09022015). Collection method: clinical testing. Allele origin: germline.